The following is an entry in ClinVar:

ClinVar aggregate classification (germline): Likely benign (0 of 4 stars; one submission).

Conditions:
MAPT-related disorder. Also called: MAPT-related condition; MAPT-Related Disorders.

gnomAD v4.1: 7 of 1,614,030 alleles (0.00043%); highest among the groups gnomAD compares: East Asian, 0.0022%; no homozygotes.

Submission:

PreventionGenetics, part of Exact Sciences
Classification: Likely benign for MAPT-related condition. Last evaluated: 2024-03-26. Review status: no assertion criteria provided. Collection method: clinical testing. Allele origin: germline.
Comment: This variant is classified as likely benign based on ACMG/AMP sequence variant interpretation guidelines (Richards et al. 2015 PMID: 25741868, with internal and published modifications).

NM_001377265.1(MAPT):c.1548C>T (p.Tyr516=)

Gene: MAPT (microtubule associated protein tau). Cytogenetic location: 17q21.31.
Variant type: single nucleotide variant.
Coding change: c.1548C>T on transcript NM_001377265.1 (MANE Select); coding-DNA position 1548, C replaced by T.
Protein change: p.Tyr516=; no amino-acid change (tyrosine 516 retained).
Molecular consequence: synonymous variant. On other transcripts: intron variant (9).
Genome position (GRCh38, 1-based): chr17:45,990,018, C>T. VCF-style: chr17-45990018-C-T. GRCh37 (hg19) VCF-style: chr17-44067384-C-T.
Other names: c.1323C>T, p.Tyr441= (NM_001123066.4, NM_016835.5); c.256-1442C>T (NM_001377268.1, NM_016834.5, NM_016841.5); c.430-1442C>T (NM_005910.6, NM_001203252.2); c.1408-1442C>T (NM_001377266.1); c.343-1442C>T (NM_001123067.4, NM_001203251.2, NM_001377267.1).
Identifiers: ClinVar variation 3352898 (VCV003352898.1).